The following is an entry in ClinVar:

ClinVar aggregate classification (germline): Likely benign (0 of 4 stars; one submission).

Conditions:
KIF21A-related disorder. Also called: KIF21A-related condition.

gnomAD v4.1: 1 of 1,613,178 alleles (0.000062%); highest among the groups gnomAD compares: East Asian, 0.0022%; no homozygotes.

Submission:

PreventionGenetics, part of Exact Sciences
Classification: Likely benign for KIF21A-related condition. Last evaluated: 2019-05-24. Review status: no assertion criteria provided. Collection method: clinical testing. Allele origin: germline.
Comment: This variant is classified as likely benign based on ACMG/AMP sequence variant interpretation guidelines (Richards et al. 2015 PMID: 25741868, with internal and published modifications).

NM_001173464.2(KIF21A):c.2211A>G (p.Ala737=)

Gene: KIF21A (kinesin family member 21A; minus strand). Cytogenetic location: 12q12.
Variant type: single nucleotide variant.
Coding change: c.2211A>G on transcript NM_001173464.2 (MANE Select); coding-DNA position 2211, A replaced by G.
Protein change: p.Ala737=; no amino-acid change (alanine 737 retained).
Molecular consequence: synonymous variant.
Genome position (GRCh38, 1-based): chr12:39,340,264, T>C on the plus strand (A>G on the coding strand, the complement: KIF21A is on the minus strand). VCF-style: chr12-39340264-T-C. GRCh37 (hg19) VCF-style: chr12-39734066-T-C.
Other names: c.2172A>G, p.Ala724= (NM_001173463.2, NM_001173465.2, NM_001378441.1 and 1 more transcripts); c.2211A>G, p.Ala737= (NM_001378439.1, NM_001378440.1).
Identifiers: ClinVar variation 3038853 (VCV003038853.2), dbSNP rs150241656, ClinGen allele CA235297683.